The following is an entry in ClinVar:

NM_006514.4(SCN10A):c.2105T>G (p.Ile702Ser)

Gene: SCN10A (sodium voltage-gated channel alpha subunit 10; minus strand). Cytogenetic location: 3p22.2.
Variant type: single nucleotide variant.
Coding change: c.2105T>G on transcript NM_006514.4 (MANE Select); coding-DNA position 2105, T replaced by G.
Protein change: p.Ile702Ser; replaces isoleucine 702 with serine.
Molecular consequence: missense variant.
Genome position (GRCh38, 1-based): chr3:38,742,292, A>C on the plus strand (T>G on the coding strand, the complement: SCN10A is on the minus strand). VCF-style: chr3-38742292-A-C. GRCh37 (hg19) VCF-style: chr3-38783783-A-C.
Other names: c.2105T>G, p.Ile702Ser (NM_001293306.2); c.1811T>G, p.Ile604Ser (NM_001293307.2); short protein forms I702S, I604S.
Identifiers: ClinVar variation 961953 (VCV000961953.10), dbSNP rs147482520, ClinGen allele CA2320657.

ClinVar aggregate classification (germline): Conflicting classifications of pathogenicity. Review status: criteria provided, conflicting classifications (1 of 4 stars). 3 submissions from 3 submitters: Uncertain significance (2); Likely benign (1). Last evaluated 2025-11-26.

Conditions:
Cardiovascular phenotype. Identifiers: MedGen CN230736.
Brugada syndrome. Also called: Sudden unexplained nocturnal death syndrome; Sudden Unexplained Death Syndrome; Sudden Unexplained Nocturnal Death Syndrome (SUNDS); Sudden unexpected nocturnal death syndrome. Identifiers: Orphanet 130, MedGen C1142166, MONDO:0015263.

Allele frequency attached by ClinVar (database versions not stated): gnomAD exomes 0.00001 and below 0.00001; gnomAD 0.00006 and 0.00007; TOPMed 0.00005; ESP Exome Variant Server 0.00015; ExAC 0.00002.
gnomAD v4.1: 12 of 1,608,244 alleles (0.00075%); highest among the groups gnomAD compares: African/African-American, 0.015%; no homozygotes.

Submissions (3):

Labcorp Genetics (formerly Invitae), Labcorp
Classification: Uncertain significance for Brugada syndrome. Last evaluated: 2025-11-26. Review status: criteria provided, single submitter. Criteria: Invitae Variant Classification Sherloc (09022015). Collection method: clinical testing. Allele origin: germline.
Comment: This sequence change replaces isoleucine, which is neutral and non-polar, with serine, which is neutral and polar, at codon 702 of the SCN10A protein (p.Ile702Ser). This variant is present in population databases (rs147482520, gnomAD 0.01%). This variant has not been reported in the literature in individuals affected with SCN10A-related conditions. ClinVar contains an entry for this variant (Variation ID: 961953). An algorithm developed to predict the effect of missense changes on protein structure and function (PolyPhen-2) suggests that this variant is likely to be tolerated. In summary, the available evidence is currently insufficient to determine the role of this variant in disease. Therefore, it has been classified as a Variant of Uncertain Significance.

Ambry Genetics
Classification: Likely benign for Cardiovascular phenotype. Last evaluated: 2025-07-07. Review status: criteria provided, single submitter. Criteria: Ambry Variant Classification Scheme 2023. Collection method: clinical testing. Allele origin: germline.

GeneDx
Classification: Uncertain significance. Last evaluated: 2024-06-13. Review status: criteria provided, single submitter. Criteria: GeneDx Variant Classification Process June 2021. Collection method: clinical testing. Allele origin: germline.
Comment: Not observed at significant frequency in large population cohorts (gnomAD); In silico analysis supports that this missense variant has a deleterious effect on protein structure/function; Has not been previously published as pathogenic or benign to our knowledge